The following is an entry in ClinVar:

NM_021098.3(CACNA1H):c.93G>A (p.Glu31=)

Gene: CACNA1H (calcium voltage-gated channel subunit alpha1 H; plus strand). Cytogenetic location: 16p13.3.
Variant type: single nucleotide variant.
Coding change: c.93G>A on transcript NM_021098.3 (MANE Select); coding-DNA position 93, G replaced by A.
Protein change: p.Glu31=; no amino-acid change (glutamic acid 31 retained).
Molecular consequence: synonymous variant.
Genome position (GRCh38, 1-based): chr16:1,153,830, G>A. VCF-style: chr16-1153830-G-A. GRCh37 (hg19) VCF-style: chr16-1203830-G-A.
Other names: p.Glu31=; c.93G>A, p.Glu31= (NM_001005407.2).
Identifiers: ClinVar variation 460195 (VCV000460195.21), dbSNP rs191613214, ClinGen allele CA7799301.
Genomic context (GRCh38, chr16:1,153,830, plus strand): 5'-CCGGGTGCCCCTGGGCGCGCCGCCCCCTGGCCCTGCGGCGTTGGTGGGGGCGTCCCCGGA[G>A]AGCCCCGGGGCGCCGGGACGCGAGGCGGAGCGGGGGTCCGAGCTCGGCGTGTCACCCTCC-3'
Protein context (NP_066921.2, residues 21-41): GPAALVGASP[Glu31=]SPGAPGREAE

ClinVar aggregate classification (germline): Benign/Likely benign. Review status: criteria provided, multiple submitters, no conflicts (2 of 4 stars). 7 submissions from 7 submitters: Benign (2); Likely benign (4). 1 of the submissions does not count toward it. Last evaluated 2026-01-26.

Conditions:
CACNA1H-related disorder.
Hyperaldosteronism, familial, type IV (HALD4). Also called: FH IV; ALDOSTERONISM, PRIMARY, AND HYPERTENSION. Identifiers: Orphanet 642671, MedGen C4310756, MONDO:0014875, OMIM 617027.
Idiopathic generalized epilepsy. Also called: Generalised epilepsy; EIG. Identifiers: MedGen C0270850, MONDO:0005579, OMIM 600669.

Allele frequency attached by ClinVar (database versions not stated): ExAC below 0.00001; gnomAD exomes 0.00148; 1000 Genomes Project 0.00699; gnomAD 0.01172 and 0.01279; TOPMed 0.01353; 1000 Genomes Project 30x 0.01359.
gnomAD v4.1: 3,020 of 1,290,588 alleles (0.23%); highest among the groups gnomAD compares: African/African-American, 4.3%; 63 homozygotes.

Submissions (7):

Labcorp Genetics (formerly Invitae), Labcorp
Classification: Benign for Idiopathic generalized epilepsy; Hyperaldosteronism, familial, type IV. Last evaluated: 2026-01-26. Review status: criteria provided, single submitter. Criteria: Invitae Variant Classification Sherloc (09022015). Collection method: clinical testing. Allele origin: germline.

Mayo Clinic Laboratories, Mayo Clinic
Classification: Likely benign. Last evaluated: 2025-02-19. Review status: criteria provided, single submitter. Criteria: ACMG Guidelines, 2015. Collection method: clinical testing. Allele origin: germline. Observed: 1 variant allele.
Comment: BS1, BP4, BP7

Blueprint Genetics
Classification: Likely benign. Last evaluated: 2024-11-25. Review status: criteria provided, single submitter. Criteria: ACMG Guidelines, 2015. Collection method: clinical testing. Allele origin: germline.

Athena Diagnostics
Classification: Benign. Last evaluated: 2024-04-04. Review status: criteria provided, single submitter. Criteria: Athena Diagnostics Criteria. Collection method: clinical testing. Allele origin: unknown.

GeneDx
Classification: Likely benign. Last evaluated: 2020-01-26. Review status: criteria provided, single submitter. Criteria: GeneDx Variant Classification Process June 2021. Collection method: clinical testing. Allele origin: germline. Affected: yes.

Breakthrough Genomics
Classification: Likely benign. Review status: criteria provided, single submitter. Criteria: ACMG Guidelines, 2015. Collection method: not provided. Allele origin: germline. Inheritance: Autosomal dominant inheritance. Affected: yes.

PreventionGenetics, part of Exact Sciences
Classification: Benign for CACNA1H-related condition. Last evaluated: 2019-05-15. Review status: no assertion criteria provided. Collection method: clinical testing. Allele origin: germline. Not counted in ClinVar's aggregate classification.
Comment: This variant is classified as benign based on ACMG/AMP sequence variant interpretation guidelines (Richards et al. 2015 PMID: 25741868, with internal and published modifications).